The following is an entry in ClinVar:

ClinVar aggregate classification (germline): Conflicting classifications of pathogenicity. Review status: criteria provided, conflicting classifications (1 of 4 stars). 2 submissions from 2 submitters: Likely pathogenic (1); Uncertain significance (1). Last evaluated 2024-02-19.

Conditions:
Kleefstra syndrome 1 (KLEFS1). Identifiers: Orphanet 261494, MedGen C0795833, MONDO:0027407, OMIM 610253.

Submissions (2):

Labcorp Genetics (formerly Invitae), Labcorp
Classification: Uncertain significance for Kleefstra syndrome 1. Last evaluated: 2024-02-19. Review status: criteria provided, single submitter. Criteria: Invitae Variant Classification Sherloc (09022015). Collection method: clinical testing. Allele origin: germline.
Comment: This sequence change replaces glycine, which is neutral and non-polar, with glutamic acid, which is acidic and polar, at codon 1193 of the EHMT1 protein (p.Gly1193Glu). This variant is not present in population databases (gnomAD no frequency). This variant has not been reported in the literature in individuals affected with EHMT1-related conditions. ClinVar contains an entry for this variant (Variation ID: 981477). Advanced modeling of protein sequence and biophysical properties (such as structural, functional, and spatial information, amino acid conservation, physicochemical variation, residue mobility, and thermodynamic stability) performed at Invitae indicates that this missense variant is expected to disrupt EHMT1 protein function with a positive predictive value of 80%. In summary, the available evidence is currently insufficient to determine the role of this variant in disease. Therefore, it has been classified as a Variant of Uncertain Significance.

Institute for Genomic Statistics and Bioinformatics, University Hospital Bonn
Classification: Likely pathogenic for Kleefstra syndrome 1. Review status: criteria provided, single submitter. Criteria: ACMG Guidelines, 2015. Collection method: clinical testing. Allele origin: de novo. Inheritance: Autosomal dominant inheritance. Affected: yes. Observed: 1 heterozygote.
Comment: PS2, PM2, PM5, PP3

NM_024757.5(EHMT1):c.3578G>A (p.Gly1193Glu)

Gene: EHMT1 (euchromatic histone lysine methyltransferase 1; plus strand). Cytogenetic location: 9q34.3.
Variant type: single nucleotide variant.
Coding change: c.3578G>A on transcript NM_024757.5 (MANE Select); coding-DNA position 3578, G replaced by A.
Protein change: p.Gly1193Glu; replaces glycine 1193 with glutamic acid.
Molecular consequence: missense variant.
Genome position (GRCh38, 1-based): chr9:137,834,386, G>A. VCF-style: chr9-137834386-G-A. GRCh37 (hg19) VCF-style: chr9-140728838-G-A.
Other names: c.3557G>A, p.Gly1186Glu (NM_001354263.2); short protein forms G1186E, G1193E.
Identifiers: ClinVar variation 981477 (VCV000981477.3), dbSNP rs1956451830, ClinGen allele CA375781348.